The following is an entry in ClinVar:

ClinVar aggregate classification (germline): Uncertain significance (1 of 4 stars; one submission).

Conditions:
Familial cold autoinflammatory syndrome 2 (FCAS2). Identifiers: Orphanet 247868, MedGen C2673198, MONDO:0012724, OMIM 611762.

Allele frequency attached by ClinVar (database versions not stated): TOPMed below 0.00001.
gnomAD v4.1: 7 of 1,613,182 alleles (0.00043%); highest among the groups gnomAD compares: South Asian, 0.0044%; no homozygotes.

Submission:

Labcorp Genetics (formerly Invitae), Labcorp
Classification: Uncertain significance for Familial cold autoinflammatory syndrome 2. Last evaluated: 2018-04-25. Review status: criteria provided, single submitter. Criteria: Invitae Variant Classification Sherloc (09022015). Collection method: clinical testing. Allele origin: germline.
Comment: This variant has not been reported in the literature in individuals with NLRP12-related disease. This variant is present in population databases (rs762132235, ExAC 0.01%). This sequence change replaces valine with methionine at codon 213 of the NLRP12 protein (p.Val213Met). The valine residue is highly conserved and there is a small physicochemical difference between valine and methionine. In summary, the available evidence is currently insufficient to determine the role of this variant in disease. Therefore, it has been classified as a Variant of Uncertain Significance. Algorithms developed to predict the effect of missense changes on protein structure and function do not agree on the potential impact of this missense change (SIFT: "Deleterious"; PolyPhen-2: "Probably Damaging"; Align-GVGD: "Class C15").

NM_144687.4(NLRP12):c.637G>A (p.Val213Met)

Gene: NLRP12 (NLR family pyrin domain containing 12; minus strand). Cytogenetic location: 19q13.42.
Variant type: single nucleotide variant.
Coding change: c.637G>A on transcript NM_144687.4 (MANE Select); coding-DNA position 637, G replaced by A.
Protein change: p.Val213Met; replaces valine 213 with methionine.
Molecular consequence: missense variant.
Genome position (GRCh38, 1-based): chr19:53,811,022, C>T on the plus strand (G>A on the coding strand, the complement: NLRP12 is on the minus strand). VCF-style: chr19-53811022-C-T. GRCh37 (hg19) VCF-style: chr19-54314276-C-T.
Other names: c.637G>A, p.Val213Met (NM_001277126.2, NM_001277129.1); short protein forms V213M.
Identifiers: ClinVar variation 570558 (VCV000570558.8), dbSNP rs762132235, ClinGen allele CA9639646.